The following is an entry in ClinVar:

ClinVar aggregate classification (germline): Likely benign. Review status: criteria provided, multiple submitters, no conflicts (2 of 4 stars). 5 submissions from 5 submitters: Likely benign (4). 1 of the submissions does not count toward it. Last evaluated 2025-12-13.

Conditions:
CHRNA2-related disorder. Also called: CHRNA2-related condition.
Familial sleep-related hypermotor epilepsy. Also called: Autosomal Dominant Sleep-Related Hypermotor (Hyperkinetic) Epilepsy. Identifiers: Orphanet 98784, MedGen C3696898, MONDO:0000030.
Inborn genetic diseases. Identifiers: MedGen C0950123, MeSH D030342.

Allele frequency attached by ClinVar (database versions not stated): gnomAD exomes 0.00006; ExAC 0.00009; TOPMed 0.00024; gnomAD 0.00029; ESP Exome Variant Server 0.00031; 1000 Genomes Project 0.00040; 1000 Genomes Project 30x 0.00047.

Submissions (5):

Labcorp Genetics (formerly Invitae), Labcorp
Classification: Likely benign. Last evaluated: 2025-12-13. Review status: criteria provided, single submitter. Criteria: Invitae Variant Classification Sherloc (09022015). Collection method: clinical testing. Allele origin: germline.

Blueprint Genetics
Classification: Likely benign. Last evaluated: 2024-05-02. Review status: criteria provided, single submitter. Criteria: ACMG Guidelines, 2015. Collection method: clinical testing. Allele origin: germline.

GeneDx
Classification: Likely benign. Last evaluated: 2021-05-28. Review status: criteria provided, single submitter. Criteria: GeneDx Variant Classification Process June 2021. Collection method: clinical testing. Allele origin: germline. Affected: yes.

Ambry Genetics
Classification: Likely benign for Inborn genetic diseases. Last evaluated: 2016-05-09. Review status: criteria provided, single submitter. Criteria: Ambry Variant Classification Scheme 2023. Collection method: clinical testing. Allele origin: germline.

PreventionGenetics, part of Exact Sciences
Classification: Likely benign for CHRNA2-related condition. Last evaluated: 2019-03-20. Review status: no assertion criteria provided. Collection method: clinical testing. Allele origin: germline. Not counted in ClinVar's aggregate classification.
Comment: This variant is classified as likely benign based on ACMG/AMP sequence variant interpretation guidelines (Richards et al. 2015 PMID: 25741868, with internal and published modifications).

NM_000742.4(CHRNA2):c.966G>A (p.Ser322=)

Gene: CHRNA2 (cholinergic receptor nicotinic alpha 2 subunit; minus strand). Cytogenetic location: 8p21.2.
Variant type: single nucleotide variant.
Coding change: c.966G>A on transcript NM_000742.4 (MANE Select); coding-DNA position 966, G replaced by A.
Protein change: p.Ser322=; no amino-acid change (serine 322 retained).
Molecular consequence: synonymous variant.
Genome position (GRCh38, 1-based): chr8:27,463,477, C>T on the plus strand (G>A on the coding strand, the complement: CHRNA2 is on the minus strand). VCF-style: chr8-27463477-C-T. GRCh37 (hg19) VCF-style: chr8-27320994-C-T.
Other names: c.921G>A, p.Ser307= (NM_001282455.2); c.489G>A, p.Ser163= (NM_001347705.2, NM_001347706.2); c.372G>A, p.Ser124= (NM_001347707.2, NM_001347708.2).
Identifiers: ClinVar variation 384605 (VCV000384605.20), dbSNP rs140118184, ClinGen allele CA4689563.